The following is an entry in ClinVar:

NM_001040108.2(MLH3):c.3164T>C (p.Met1055Thr)

Gene: MLH3 (mutL homolog 3; minus strand). Cytogenetic location: 14q24.3.
Variant type: single nucleotide variant.
Coding change: c.3164T>C on transcript NM_001040108.2 (MANE Select); coding-DNA position 3164, T replaced by C.
Protein change: p.Met1055Thr; replaces methionine 1055 with threonine.
Molecular consequence: missense variant.
Genome position (GRCh38, 1-based): chr14:75,046,492, A>G on the plus strand (T>C on the coding strand, the complement: MLH3 is on the minus strand). VCF-style: chr14-75046492-A-G. GRCh37 (hg19) VCF-style: chr14-75513195-A-G.
Other names: c.3164T>C, p.Met1055Thr (NM_014381.3); short protein forms M1055T.
Identifiers: ClinVar variation 1057578 (VCV001057578.12), dbSNP rs1026561200, ClinGen allele CA263647755.

ClinVar aggregate classification (germline): Uncertain significance. Review status: criteria provided, multiple submitters, no conflicts (2 of 4 stars). 2 submissions from 2 submitters: Uncertain significance (2). Last evaluated 2024-08-11.

Conditions:
Colorectal cancer, hereditary nonpolyposis, type 7. Identifiers: Orphanet 144, MedGen C1858380, MONDO:0013725, OMIM 614385.

Submissions (2):

Ambry Genetics
Classification: Uncertain significance. Last evaluated: 2024-08-11. Review status: criteria provided, single submitter. Criteria: Ambry Variant Classification Scheme 2023. Collection method: clinical testing. Allele origin: germline.
Comment: The p.M1055T variant (also known as c.3164T>C), located in coding exon 1 of the MLH3 gene, results from a T to C substitution at nucleotide position 3164. The methionine at codon 1055 is replaced by threonine, an amino acid with similar properties. This amino acid position is not well conserved in available vertebrate species. In addition, this alteration is predicted to be tolerated by in silico analysis. Since supporting evidence is limited at this time, the clinical significance of this alteration remains unclear.

Labcorp Genetics (formerly Invitae), Labcorp
Classification: Uncertain significance for Colorectal cancer, hereditary nonpolyposis, type 7. Last evaluated: 2023-11-10. Review status: criteria provided, single submitter. Criteria: Invitae Variant Classification Sherloc (09022015). Collection method: clinical testing. Allele origin: germline.
Comment: This sequence change replaces methionine, which is neutral and non-polar, with threonine, which is neutral and polar, at codon 1055 of the MLH3 protein (p.Met1055Thr). This variant is not present in population databases (gnomAD no frequency). This variant has not been reported in the literature in individuals affected with MLH3-related conditions. ClinVar contains an entry for this variant (Variation ID: 1057578). Algorithms developed to predict the effect of missense changes on protein structure and function output the following: SIFT: "Not Available"; PolyPhen-2: "Benign"; Align-GVGD: "Not Available". The threonine amino acid residue is found in multiple mammalian species, which suggests that this missense change does not adversely affect protein function. In summary, the available evidence is currently insufficient to determine the role of this variant in disease. Therefore, it has been classified as a Variant of Uncertain Significance.